The following is an entry in ClinVar:

ClinVar aggregate classification (germline): Likely benign (1 of 4 stars; one submission).

Conditions:
DST-related disorder. Also called: DST-related condition; DST-related disorders.

gnomAD v4.1: 2 of 1,613,884 alleles (0.00012%); highest among the groups gnomAD compares: African/African-American, 0.0027%; no homozygotes.

Submission:

PreventionGenetics, part of Exact Sciences
Classification: Likely benign for DST-related condition. Last evaluated: 2025-03-31. Review status: criteria provided, single submitter. Criteria: ACMG Guidelines, 2015. Collection method: clinical testing. Allele origin: germline.
Comment: This variant is classified as likely benign based on ACMG/AMP sequence variant interpretation guidelines (Richards et al. 2015 PMID: 25741868, with internal and published modifications).

NM_001374736.1(DST):c.15909A>G (p.Gly5303=)

Gene: DST (dystonin; minus strand). Cytogenetic location: 6p12.1.
Variant type: single nucleotide variant.
Coding change: c.15909A>G on transcript NM_001374736.1 (MANE Select); coding-DNA position 15909, A replaced by G.
Protein change: p.Gly5303=; no amino-acid change (glycine 5303 retained).
Molecular consequence: synonymous variant.
Genome position (GRCh38, 1-based): chr6:56,552,883, T>C on the plus strand (A>G on the coding strand, the complement: DST is on the minus strand). VCF-style: chr6-56552883-T-C. GRCh37 (hg19) VCF-style: chr6-56417681-T-C.
Other names: c.9552A>G, p.Gly3184= (NM_001144769.5); c.9138A>G, p.Gly3046= (NM_001144770.2); c.15909A>G, p.Gly5303= (NM_001374722.1); c.15276A>G, p.Gly5092= (NM_001374729.1); c.9018A>G, p.Gly3006= (NM_001374730.1, NM_001386100.1, NM_183380.4); c.15936A>G, p.Gly5312= (NM_001374734.1); c.8040A>G, p.Gly2680= (NM_015548.5).
Identifiers: ClinVar variation 4983008 (VCV004983008.1).